The following is an entry in ClinVar:

NM_006035.4(CDC42BPB):c.2016_2021del (p.672GA[1])

Gene: CDC42BPB (CDC42 binding protein kinase beta; minus strand). Cytogenetic location: 14q32.32.
Variant type: Deletion.
Coding change: c.2016_2021del on transcript NM_006035.4 (MANE Select); coding-DNA positions 2016 to 2021, 6 bases deleted (AGCGGG; older notation c.2016_2021delAGCGGG).
Protein change: p.672GA[1].
Molecular consequence: inframe deletion. On other transcripts: inframe indel (1).
Genome position (GRCh38, 1-based): chr14:102,968,691-102,968,696, CCCGCT deleted on the plus strand (AGCGGG on the coding strand, the reverse complement: CDC42BPB is on the minus strand); deleting any 6 consecutive bases within chr14:102,968,691-102,968,699 gives the same sequence; the c. name uses the placement nearest the transcript's 3' end. VCF-style (leftmost placement, unchanged base first): chr14-102968690-ACCCGCT-A. GRCh37 (hg19) VCF-style: chr14-103435027-ACCCGCT-A.
Other names: c.2013_2018delGGGAGC, p.Gly674_Ala675del (NM_001411054.1).
Identifiers: ClinVar variation 2428861 (VCV002428861.3), dbSNP rs2542863196, ClinGen allele CA2580088438.

ClinVar aggregate classification (germline): Uncertain significance (1 of 4 stars; one submission).

Submission:

GeneDx
Classification: Uncertain significance. Last evaluated: 2022-08-03. Review status: criteria provided, single submitter. Criteria: GeneDx Variant Classification Process June 2021. Collection method: clinical testing. Allele origin: germline. Affected: yes.
Comment: Not observed at significant frequency in large population cohorts (gnomAD); In-frame deletion of 2 amino acids in a non-repeat region; Has not been previously published as pathogenic or benign to our knowledge